The following is an entry in ClinVar:

NM_001042545.2(LTBP4):c.2345G>A (p.Gly782Asp)

Gene: LTBP4 (latent transforming growth factor beta binding protein 4; plus strand). Cytogenetic location: 19q13.2.
Variant type: single nucleotide variant.
Coding change: c.2345G>A on transcript NM_001042545.2 (MANE Select); coding-DNA position 2345, G replaced by A.
Protein change: p.Gly782Asp; replaces glycine 782 with aspartic acid.
Molecular consequence: missense variant.
Genome position (GRCh38, 1-based): chr19:40,613,110, G>A. VCF-style: chr19-40613110-G-A. GRCh37 (hg19) VCF-style: chr19-41119016-G-A.
Other names: c.2546G>A, p.Gly849Asp (NM_001042544.1); c.2435G>A, p.Gly812Asp (NM_003573.2); short protein forms G782D, G812D, G849D.
Identifiers: ClinVar variation 1214513 (VCV001214513.6), dbSNP rs1338625841, ClinGen allele CA405938730.

ClinVar aggregate classification (germline): Uncertain significance. Review status: criteria provided, multiple submitters, no conflicts (2 of 4 stars). 2 submissions from 2 submitters: Uncertain significance (2). Last evaluated 2021-08-17.

Conditions:
Inborn genetic diseases. Identifiers: MedGen C0950123, MeSH D030342.

Allele frequency attached by ClinVar (database versions not stated): TOPMed 0.00001.

Submissions (2):

Ambry Genetics
Classification: Uncertain significance for Inborn genetic diseases. Last evaluated: 2021-08-17. Review status: criteria provided, single submitter. Criteria: Ambry Variant Classification Scheme 2023. Collection method: clinical testing. Allele origin: germline.

GeneDx
Classification: Uncertain significance. Last evaluated: 2020-06-02. Review status: criteria provided, single submitter. Criteria: GeneDx Variant Classification Process June 2021. Collection method: clinical testing. Allele origin: germline. Affected: yes.
Comment: Not observed in large population cohorts (Lek et al., 2016); In silico analysis supports that this missense variant has a deleterious effect on protein structure/function; Has not been previously published as pathogenic or benign to our knowledge